The following is an entry in ClinVar:

NM_001903.5(CTNNA1):c.890G>T (p.Ser297Ile)

Gene: CTNNA1 (catenin alpha 1; plus strand). Cytogenetic location: 5q31.2.
Variant type: single nucleotide variant.
Coding change: c.890G>T on transcript NM_001903.5 (MANE Select); coding-DNA position 890, G replaced by T.
Protein change: p.Ser297Ile; replaces serine 297 with isoleucine.
Molecular consequence: missense variant.
Genome position (GRCh38, 1-based): chr5:138,827,546, G>T. VCF-style: chr5-138827546-G-T. GRCh37 (hg19) VCF-style: chr5-138163235-G-T.
Other names: c.890G>T, p.Ser297Ile (NM_001290307.3, NM_001323982.2, NM_001323983.1 and 3 more transcripts); c.581G>T, p.Ser194Ile (NM_001290309.3); c.521G>T, p.Ser174Ile (NM_001290310.3); short protein forms S194I, S297I, S174I.
Identifiers: ClinVar variation 3837153 (VCV003837153.1).

ClinVar aggregate classification (germline): Uncertain significance (1 of 4 stars; one submission).

Conditions:
Hereditary cancer-predisposing syndrome. Also called: Hereditary neoplastic syndrome; Neoplastic Syndromes, Hereditary; Tumor predisposition; Hereditary Cancer Syndrome. Identifiers: Orphanet 140162, MedGen C0027672, MeSH D009386, MONDO:0015356.

Submission:

Ambry Genetics
Classification: Uncertain significance for Hereditary cancer-predisposing syndrome. Last evaluated: 2025-01-06. Review status: criteria provided, single submitter. Criteria: Ambry Variant Classification Scheme 2023. Collection method: clinical testing. Allele origin: germline.
Comment: The p.S297I variant (also known as c.890G>T), located in coding exon 6 of the CTNNA1 gene, results from a G to T substitution at nucleotide position 890. The serine at codon 297 is replaced by isoleucine, an amino acid with dissimilar properties. This amino acid position is conserved. In addition, this alteration is predicted to be tolerated by in silico analysis. Based on the available evidence, the clinical significance of this variant remains unclear.